The following is an entry in ClinVar:

NM_005573.4(LMNB1):c.852T>C (p.Ser284=)

Gene: LMNB1 (lamin B1; plus strand). Cytogenetic location: 5q23.2.
Variant type: single nucleotide variant.
Coding change: c.852T>C on transcript NM_005573.4 (MANE Select); coding-DNA position 852, T replaced by C.
Protein change: p.Ser284=; no amino-acid change (serine 284 retained).
Molecular consequence: synonymous variant. On other transcripts: non-coding transcript variant (1).
Genome position (GRCh38, 1-based): chr5:126,811,811, T>C. VCF-style: chr5-126811811-T-C. GRCh37 (hg19) VCF-style: chr5-126147503-T-C.
Other names: c.222T>C, p.Ser74= (NM_001198557.2).
Identifiers: ClinVar variation 66615 (VCV000066615.39), dbSNP rs61726489, ClinGen allele CA217401.
Genomic context (GRCh38, chr5:126,811,811, plus strand): 5'-TATGCTTTGCTTCTTCTTTTAGCTTGAGAATGCCAGACTGTCATCAGAGATGAATACTTC[T>C]ACTGTCAACAGTGCCAGGGAAGAACTGATGGAAAGCCGCATGAGAATTGAGAGCCTTTCA-3'
Protein context (NP_005564.1, residues 274-294): NARLSSEMNT[Ser284=]TVNSAREELM

ClinVar aggregate classification (germline): Benign. Review status: criteria provided, multiple submitters, no conflicts (2 of 4 stars). 4 submissions from 4 submitters: Benign (3). 1 of the submissions does not count toward it. Last evaluated 2026-09-01.

Conditions:
Adult-onset autosomal dominant demyelinating leukodystrophy. Identifiers: Orphanet 99027, MedGen C1868512, MONDO:0008215.

Allele frequency attached by ClinVar (database versions not stated): ExAC 0.00394; gnomAD exomes 0.00395 and 0.00510; ESP Exome Variant Server 0.00423; 1000 Genomes Project 30x 0.00281; gnomAD 0.00288 and 0.00314; 1000 Genomes Project 0.00300; TOPMed 0.00303.
gnomAD v4.1: 7,924 of 1,612,156 alleles (0.49%); highest among the groups gnomAD compares: South Asian, 1.3%; 49 homozygotes.

Submissions (4):

CeGaT Center for Human Genetics Tuebingen
Classification: Benign. Last evaluated: 2026-09-01. Review status: criteria provided, single submitter. Criteria: CeGaT Center For Human Genetics Tuebingen Variant Classification Criteria Version 2. Collection method: clinical testing. Allele origin: germline. Affected: yes. Observed: 27 variant alleles.
Comment: LMNB1: BP4, BP7, BS1, BS2

Labcorp Genetics (formerly Invitae), Labcorp
Classification: Benign. Last evaluated: 2026-01-08. Review status: criteria provided, single submitter. Criteria: Invitae Variant Classification Sherloc (09022015). Collection method: clinical testing. Allele origin: germline.

Illumina Laboratory Services, Illumina
Classification: Benign for Leukodystrophy, demyelinating, adult-onset, autosomal dominant, typical. Last evaluated: 2018-01-13. Review status: criteria provided, single submitter. Criteria: ICSL Variant Classification Criteria 13 December 2019. Collection method: clinical testing. Allele origin: germline.
Comment: This variant was observed in the ICSL laboratory as part of a predisposition screen in an ostensibly healthy population. It had not been previously curated by ICSL or reported in the Human Gene Mutation Database (HGMD: prior to June 1st, 2018), and was therefore a candidate for classification through an automated scoring system. Utilizing variant allele frequency, disease prevalence and penetrance estimates, and inheritance mode, an automated score was calculated to assess if this variant is too frequent to cause the disease. Based on the score and internal cut-off values, a variant classified as benign is not then subjected to further curation. The score for this variant resulted in a classification of benign for this disease.

Epithelial Biology;  Institute of Medical Biology, Singapore
No classification provided. Review status: no classification provided. Collection method: not provided. Allele origin: not provided. Not counted in ClinVar's aggregate classification.